The following is an entry in ClinVar:

NM_000540.3(RYR1):c.11642A>G (p.Gln3881Arg)

Gene: RYR1 (ryanodine receptor 1; plus strand). Cytogenetic location: 19q13.2.
Variant type: single nucleotide variant.
Coding change: c.11642A>G on transcript NM_000540.3 (MANE Select); coding-DNA position 11642, A replaced by G.
Protein change: p.Gln3881Arg; replaces glutamine 3881 with arginine.
Molecular consequence: missense variant.
Genome position (GRCh38, 1-based): chr19:38,537,913, A>G. VCF-style: chr19-38537913-A-G. GRCh37 (hg19) VCF-style: chr19-39028553-A-G.
Other names: c.11627A>G, p.Gln3876Arg (NM_001042723.2); c.11642A>G (NM_000540.2); short protein forms Q3881R, Q3876R.
Identifiers: ClinVar variation 1407021 (VCV001407021.7), dbSNP rs1972043775, ClinGen allele CA405658247.

ClinVar aggregate classification (germline): Uncertain significance. Review status: criteria provided, multiple submitters, no conflicts (2 of 4 stars). 3 submissions from 3 submitters: Uncertain significance (3). Last evaluated 2026-06-03.

Conditions:
RYR1-related disorder. Also called: RYR1-related condition; RYR1-related disorders. Identifiers: MedGen CN239331.
Malignant hyperthermia, susceptibility to, 1 (MHS1). Also called: Malignant hyperthermia suceptibility 1; Anesthesia related hyperthermia; Malignant hyperpyrexia; Fulminating hyperpyrexia; Pharmacogenic myopathy; RYR1-Related Malignant Hyperthermia Susceptibility. Identifiers: Orphanet 423, MedGen C2930980, MONDO:0007783, OMIM 145600.
Inborn genetic diseases. Identifiers: MedGen C0950123, MeSH D030342.

Allele frequency attached by ClinVar (database versions not stated): TOPMed below 0.00001; gnomAD exomes below 0.00001.
gnomAD v4.1: 3 of 1,614,112 alleles (0.00019%); highest among the groups gnomAD compares: Non-Finnish European, 0.00017%; no homozygotes.

Submissions (3):

Ambry Genetics
Classification: Uncertain significance for Inborn genetic diseases. Last evaluated: 2026-06-03. Review status: criteria provided, single submitter. Criteria: Ambry Variant Classification Scheme 2023. Collection method: clinical testing. Allele origin: germline.

Color Diagnostics, LLC DBA Color Health
Classification: Uncertain significance for Malignant hyperthermia, susceptibility to, 1. Last evaluated: 2025-11-17. Review status: criteria provided, single submitter. Criteria: ACMG Guidelines, 2015. Collection method: clinical testing. Allele origin: germline.
Comment: This missense variant replaces glutamine with arginine at codon 3881 of the RYR1 protein. Computational prediction suggests that this variant may not impact protein structure and function. To our knowledge, functional studies have not been reported for this variant. This variant has not been reported in individuals affected with RYR1-related disorders in the literature. This variant has been identified in 3/1614112 chromosomes in the general population by the Genome Aggregation Database (gnomAD). The available evidence is insufficient to determine the role of this variant in disease conclusively. Therefore, this variant is classified as a Variant of Uncertain Significance.

Labcorp Genetics (formerly Invitae), Labcorp
Classification: Uncertain significance for RYR1-related disorder. Last evaluated: 2024-02-24. Review status: criteria provided, single submitter. Criteria: Invitae Variant Classification Sherloc (09022015). Collection method: clinical testing. Allele origin: germline.
Comment: This sequence change replaces glutamine, which is neutral and polar, with arginine, which is basic and polar, at codon 3881 of the RYR1 protein (p.Gln3881Arg). This variant is not present in population databases (gnomAD no frequency). This variant has not been reported in the literature in individuals affected with RYR1-related conditions. ClinVar contains an entry for this variant (Variation ID: 1407021). Advanced modeling of protein sequence and biophysical properties (such as structural, functional, and spatial information, amino acid conservation, physicochemical variation, residue mobility, and thermodynamic stability) performed at Invitae indicates that this missense variant is not expected to disrupt RYR1 protein function with a negative predictive value of 95%. In summary, the available evidence is currently insufficient to determine the role of this variant in disease. Therefore, it has been classified as a Variant of Uncertain Significance.